The following is an entry in ClinVar:

NM_001035.3(RYR2):c.14434-5T>C

Gene: RYR2 (ryanodine receptor 2; plus strand). Cytogenetic location: 1q43.
Variant type: single nucleotide variant.
Coding change: c.14434-5T>C on transcript NM_001035.3 (MANE Select); 5 bases into the intron before coding-DNA position 14434, T replaced by C.
Molecular consequence: intron variant.
Genome position (GRCh38, 1-based): chr1:237,819,031, T>C. VCF-style: chr1-237819031-T-C. GRCh37 (hg19) VCF-style: chr1-237982331-T-C.
Identifiers: ClinVar variation 1145225 (VCV001145225.31), dbSNP rs2102824382, ClinGen allele CA2499214615.

ClinVar aggregate classification (germline): Conflicting classifications of pathogenicity. Review status: criteria provided, conflicting classifications (1 of 4 stars). 2 submissions from 2 submitters: Uncertain significance (1); Likely benign (1). Last evaluated 2026-01-31.

Conditions:
Catecholaminergic polymorphic ventricular tachycardia 1. Also called: RYR2-Related Catecholaminergic Polymorphic Ventricular Tachycardia; VENTRICULAR TACHYCARDIA, CATECHOLAMINERGIC POLYMORPHIC, 1, WITH OR WITHOUT ATRIAL DYSFUNCTION AND/OR DILATED CARDIOMYOPATHY; VENTRICULAR TACHYCARDIA, STRESS-INDUCED POLYMORPHIC 1. Identifiers: Orphanet 3286, MedGen C1631597, MONDO:0011484, OMIM 604772.

Submissions (2):

Labcorp Genetics (formerly Invitae), Labcorp
Classification: Likely benign for Catecholaminergic polymorphic ventricular tachycardia 1. Last evaluated: 2026-01-31. Review status: criteria provided, single submitter. Criteria: Invitae Variant Classification Sherloc (09022015). Collection method: clinical testing. Allele origin: germline.

CeGaT Center for Human Genetics Tuebingen
Classification: Uncertain significance. Last evaluated: 2024-02-01. Review status: criteria provided, single submitter. Criteria: CeGaT Center For Human Genetics Tuebingen Variant Classification Criteria Version 2. Collection method: clinical testing. Allele origin: germline. Affected: yes. Observed: 1 variant allele.
Comment: RYR2: PM2, BP4